The following is an entry in ClinVar:

ClinVar aggregate classification (germline): Pathogenic (1 of 4 stars; one submission).

Conditions:
Multiple congenital exostosis (EXT). Also called: Hereditary multiple osteochondromas; MULTIPLE CARTILAGINOUS EXOSTOSES; Hereditary multiple exostoses; Hereditary multiple exostosis; Multiple osteochondromas; Multiple exostoses. Identifiers: Orphanet 321, MedGen C0015306, MONDO:0005508, HP:0002762.

Submission:

Labcorp Genetics (formerly Invitae), Labcorp
Classification: Pathogenic for Multiple congenital exostosis. Last evaluated: 2023-12-30. Review status: criteria provided, single submitter. Criteria: Invitae Variant Classification Sherloc (09022015). Collection method: clinical testing. Allele origin: germline.
Comment: This sequence change creates a premature translational stop signal (p.Lys475Serfs*13) in the EXT1 gene. It is expected to result in an absent or disrupted protein product. Loss-of-function variants in EXT1 are known to be pathogenic (PMID: 10679937, 11391482, 19810120). This variant is not present in population databases (gnomAD no frequency). This variant has not been reported in the literature in individuals affected with EXT1-related conditions. For these reasons, this variant has been classified as Pathogenic.

Literature cited by the submitters: PubMed 10679937; PubMed 11391482; PubMed 19810120.

NM_000127.3(EXT1):c.1424del (p.Lys475fs)

Gene: EXT1 (exostosin glycosyltransferase 1; minus strand). Cytogenetic location: 8q24.11.
Variant type: Deletion.
Coding change: c.1424del on transcript NM_000127.3 (MANE Select); coding-DNA position 1424, one base deleted (A; older notation c.1424delA).
Protein change: p.Lys475fs; shifts the reading frame from lysine 475.
Molecular consequence: frameshift variant.
Genome position (GRCh38, 1-based): chr8:117,819,788, T deleted on the plus strand (A on the coding strand, the reverse complement: EXT1 is on the minus strand); the first of 3 consecutive T bases (chr8:117,819,788-117,819,790); deleting any one gives the same sequence. VCF-style (leftmost placement, unchanged base first): chr8-117819787-CT-C. GRCh37 (hg19) VCF-style: chr8-118832026-CT-C.
Other names: short protein forms K475fs.
Identifiers: ClinVar variation 2699584 (VCV002699584.3), dbSNP rs2488109312, ClinGen allele CA2697550107.